The following is an entry in ClinVar:

ClinVar aggregate classification (germline): Uncertain significance (1 of 4 stars; one submission).

Allele frequency attached by ClinVar (database versions not stated): gnomAD exomes below 0.00001.
gnomAD v4.1: 4 of 1,613,848 alleles (0.00025%); highest among the groups gnomAD compares: Non-Finnish European, 0.00034%; no homozygotes.

Submission:

Labcorp Genetics (formerly Invitae), Labcorp
Classification: Uncertain significance. Last evaluated: 2022-10-24. Review status: criteria provided, single submitter. Criteria: Invitae Variant Classification Sherloc (09022015). Collection method: clinical testing. Allele origin: germline.
Comment: In summary, the available evidence is currently insufficient to determine the role of this variant in disease. Therefore, it has been classified as a Variant of Uncertain Significance. ClinVar contains an entry for this variant (Variation ID: 1432543). This sequence change replaces isoleucine, which is neutral and non-polar, with valine, which is neutral and non-polar, at codon 70 of the TMIE protein (p.Ile70Val). This variant is not present in population databases (gnomAD no frequency). This variant has not been reported in the literature in individuals affected with TMIE-related conditions. Algorithms developed to predict the effect of missense changes on protein structure and function (SIFT, PolyPhen-2, Align-GVGD) all suggest that this variant is likely to be tolerated.

NM_147196.3(TMIE):c.208A>G (p.Ile70Val)

Gene: TMIE (transmembrane inner ear; plus strand). Cytogenetic location: 3p21.31.
Variant type: single nucleotide variant.
Coding change: c.208A>G on transcript NM_147196.3 (MANE Select); coding-DNA position 208, A replaced by G.
Protein change: p.Ile70Val; replaces isoleucine 70 with valine.
Molecular consequence: missense variant.
Genome position (GRCh38, 1-based): chr3:46,705,904, A>G. VCF-style: chr3-46705904-A-G. GRCh37 (hg19) VCF-style: chr3-46747394-A-G.
Other names: c.49A>G, p.Ile17Val (NM_001370524.1, NM_001370525.1); short protein forms I70V, I17V.
Identifiers: ClinVar variation 1432543 (VCV001432543.8), dbSNP rs978130491, ClinGen allele CA73730414.
Genomic context (GRCh38, chr3:46,705,904, plus strand): 5'-GTGTTCTGGGACATGCGCCTGTGGCACGTGGTGGGCATCTTTTCGCTCTTCGTGTTGTCC[A>G]TCAGTGAGTAGCTGTTCCCTTCCCTCTCCACCACACTGCAGTGGGAACACAGCACCCCCT-3'
Protein context (NP_671729.2, residues 60-80): VGIFSLFVLS[Ile70Val]IITLCCVFNC